The following is an entry in ClinVar:

GRCh38/hg38 16p11.2(chr16:29653208-30162533)x3

Genes: ALDOA (aldolase, fructose-bisphosphate A; plus strand), ASPHD1 (aspartate beta-hydroxylase domain containing 1; plus strand), C16orf54 (chromosome 16 open reading frame 54; minus strand), CDIPT (CDP-diacylglycerol--inositol 3-phosphatidyltransferase; minus strand), CDIPTOSP (CDIP transferase opposite strand, pseudogene; plus strand) and 87 more. Cytogenetic location: 16p11.2.
Variant type: copy number gain.
Change: copy number 3 (three copies instead of two) of chr16:29,653,208-30,162,533 (509.3 kb, GRCh38 coordinates, 1-based), cytogenetic band 16p11.2.
Identifiers: ClinVar variation 60397 (VCV000060397.4).

ClinVar aggregate classification (germline): Pathogenic (0 of 4 stars; one submission).

Submission:

ISCA Site 6
Classification: Pathogenic. Last evaluated: 2018-02-05. Review status: no assertion criteria provided. Collection method: clinical testing. Allele origin: unknown, paternal. Affected: yes. Observed: 2 variant alleles.
Comment: 16p11.2 recurrent region (includes TBX6) (proximal region) (BP4-BP5) (hg19 chr16: 29,649,996-30,199,855), enriched in cases with ID/DD, MCA etc vs controls, ClinGen triplosensitivity score = 3

Copy number variation identified through the course of routine clinical cytogenomic testing in postnatal populations. Clinical assertions have been curated as described in Kaminsky et al. 2011.

Copy number variation identified through the course of routine clinical cytogenomic testing in postnatal populations. Clinical assertions have been curated as described in Kaminsky, et al. 2011 (PubMed 21844811). For additional ClinGen data, please see nstd37.